The following is an entry in ClinVar:

NM_000051.4(ATM):c.7789-3T>C

Genes: ATM (ATM serine/threonine kinase; plus strand), C11orf65 (chromosome 11 open reading frame 65; minus strand). Cytogenetic location: 11q22.3.
Variant type: single nucleotide variant.
Coding change: c.7789-3T>C on transcript NM_000051.4 (MANE Select); 3 bases into the intron before coding-DNA position 7789, T replaced by C.
Molecular consequence: intron variant.
Genome position (GRCh38, 1-based): chr11:108,332,759, T>C. VCF-style: chr11-108332759-T-C. GRCh37 (hg19) VCF-style: chr11-108203486-T-C.
Other names: c.7789-3T>C (NM_001351834.2); c.641-23688A>G (NM_001330368.2); c.*38+2461A>G (NM_001351110.2).
Identifiers: ClinVar variation 2102040 (VCV002102040.6), dbSNP rs864622185, ClinGen allele CA2580083549.

ClinVar aggregate classification (germline): Uncertain significance. Review status: criteria provided, multiple submitters, no conflicts (2 of 4 stars). 3 submissions from 3 submitters: Uncertain significance (3). Last evaluated 2026-05-12.

Conditions:
Hereditary cancer-predisposing syndrome. Also called: Tumor predisposition; Hereditary Cancer Syndrome; Hereditary neoplastic syndrome; Neoplastic Syndromes, Hereditary. Identifiers: Orphanet 140162, MedGen C0027672, MeSH D009386, MONDO:0015356.
Ataxia-telangiectasia syndrome (AT). Also called: ATAXIA-TELANGIECTASIA, COMPLEMENTATION GROUP A; ATAXIA-TELANGIECTASIA, FRESNO VARIANT; Ataxia-telangiectasia; Ataxia-telangiectasia, complementation group E; LOUIS-BAR SYNDROME; Cerebello-oculocutaneous telangiectasia. Identifiers: Orphanet 100, MedGen C0004135, MONDO:0008840, OMIM 208900.

Submissions (3):

Ambry Genetics
Classification: Uncertain significance for Hereditary cancer-predisposing syndrome. Last evaluated: 2026-05-12. Review status: criteria provided, single submitter. Criteria: Ambry Variant Classification Scheme 2023. Collection method: clinical testing. Allele origin: germline.
Comment: The c.7789-3T>C intronic variant results from a T to C substitution 3 nucleotides upstream from coding exon 52 in the ATM gene. This nucleotide position is not well conserved in available vertebrate species. In silico splice site analysis predicts that this alteration will not have any significant effect on splicing. Based on the available evidence, the clinical significance of this variant remains unclear.

Quest Diagnostics Nichols Institute San Juan Capistrano
Classification: Uncertain significance. Last evaluated: 2024-07-02. Review status: criteria provided, single submitter. Criteria: Quest Diagnostics criteria. Collection method: clinical testing. Allele origin: unknown.

Labcorp Genetics (formerly Invitae), Labcorp
Classification: Uncertain significance for Ataxia-telangiectasia syndrome. Last evaluated: 2022-02-22. Review status: criteria provided, single submitter. Criteria: Invitae Variant Classification Sherloc (09022015). Collection method: clinical testing. Allele origin: germline.
Comment: This sequence change falls in intron 52 of the ATM gene. It does not directly change the encoded amino acid sequence of the ATM protein. It affects a nucleotide within the consensus splice site. In summary, the available evidence is currently insufficient to determine the role of this variant in disease. Therefore, it has been classified as a Variant of Uncertain Significance. Variants that disrupt the consensus splice site are a relatively common cause of aberrant splicing (PMID: 17576681, 9536098). Algorithms developed to predict the effect of sequence changes on RNA splicing suggest that this variant is not likely to affect RNA splicing. This variant has not been reported in the literature in individuals affected with ATM-related conditions. This variant is not present in population databases (gnomAD no frequency).

Literature cited by the submitters: PubMed 17576681 (cited by Labcorp Genetics (formerly Invitae), Labcorp); PubMed 9536098 (cited by Labcorp Genetics (formerly Invitae), Labcorp).